The following is an entry in ClinVar:

NM_000059.4(BRCA2):c.2047_2050del (p.Ser683fs)

Gene: BRCA2 (BRCA2 DNA repair associated; plus strand). Cytogenetic location: 13q13.1.
Variant type: Microsatellite.
Coding change: c.2047_2050del on transcript NM_000059.4 (MANE Select); coding-DNA positions 2047 to 2050, 4 bases deleted (TCTC; older notation c.2047_2050delTCTC).
Protein change: p.Ser683fs; shifts the reading frame from serine 683.
Molecular consequence: frameshift variant.
Genome position (GRCh38, 1-based): chr13:32,336,402-32,336,405, TCTC deleted; deleting any 4 consecutive bases within chr13:32,336,400-32,336,405 gives the same sequence; the c. name uses the placement nearest the transcript's 3' end. VCF-style (leftmost placement, unchanged base first): chr13-32336399-ATCTC-A. GRCh37 (hg19) VCF-style: chr13-32910536-ATCTC-A.
Other names: c.2047_2050delTCTC (NM_000059.3); short protein forms S683fs.
Identifiers: ClinVar variation 431296 (VCV000431296.10), dbSNP rs80359319, ClinGen allele CA645372982.

ClinVar aggregate classification (germline): Pathogenic. Review status: reviewed by expert panel (3 of 4 stars). 4 submissions from 4 submitters: Pathogenic (1). 3 of the submissions do not count toward it. Last evaluated 2017-12-15.

Conditions:
Breast-ovarian cancer, familial, susceptibility to, 2 (BROVCA2). Also called: BRCA2 Hereditary Breast and Ovarian Cancer. Identifiers: Orphanet 145, MedGen C2675520, MONDO:0012933, OMIM 612555. Disease mechanism: loss of function.
Hereditary breast ovarian cancer syndrome. Also called: BRCA1- and BRCA2-Associated Hereditary Breast and Ovarian Cancer; Hereditary breast and/or ovarian cancer syndrome; Hereditary breast and ovarian cancer; Hereditary breast and ovarian cancer syndrome; Hereditary breast and ovarian cancer syndrome (HBOC); Breast and ovarian cancer. Identifiers: Orphanet 145, MedGen C0677776, MeSH D061325, MONDO:0003582. Disease mechanism: loss of function.
Hereditary cancer-predisposing syndrome. Also called: Hereditary neoplastic syndrome; Tumor predisposition; Neoplastic Syndromes, Hereditary; Hereditary Cancer Syndrome. Identifiers: Orphanet 140162, MedGen C0027672, MeSH D009386, MONDO:0015356.

Submissions (4):

Evidence-based Network for the Interpretation of Germline Mutant Alleles (ENIGMA)
Classification: Pathogenic for Breast-ovarian cancer, familial, susceptibility to, 2. Last evaluated: 2017-12-15. Review status: reviewed by expert panel. Criteria: ENIGMA BRCA1/2 Classification Criteria (2017-06-29). Collection method: curation. Allele origin: germline. Study: ENIGMA.
Comment: Variant allele predicted to encode a truncated non-functional protein.

Labcorp Genetics (formerly Invitae), Labcorp
Classification: Pathogenic for Hereditary breast ovarian cancer syndrome. Last evaluated: 2025-10-21. Review status: criteria provided, single submitter. Criteria: Invitae Variant Classification Sherloc (09022015). Collection method: clinical testing. Allele origin: germline. Not counted in ClinVar's aggregate classification.
Comment: This sequence change creates a premature translational stop signal (p.Ser683Argfs*46) in the BRCA2 gene. It is expected to result in an absent or disrupted protein product. Loss-of-function variants in BRCA2 are known to be pathogenic (PMID: 20104584). This variant is not present in population databases (gnomAD no frequency). This premature translational stop signal has been observed in individual(s) with breast cancer or prostate cancer (PMID: 28825054, 29339979). For these reasons, this variant has been classified as Pathogenic.

Ambry Genetics
Classification: Pathogenic for Hereditary cancer-predisposing syndrome. Last evaluated: 2021-12-10. Review status: criteria provided, single submitter. Criteria: Ambry Variant Classification Scheme 2023. Collection method: clinical testing. Allele origin: germline. Not counted in ClinVar's aggregate classification.
Comment: The c.2047_2050delTCTC pathogenic mutation, located in coding exon 10 of the BRCA2 gene, results from a deletion of 4 nucleotides at nucleotide positions 2047 to 2050, causing a translational frameshift with a predicted alternate stop codon (p.S683Rfs*46). This variant was identified in 28 individual(s) from six families in a Norwegian HBOC cohort (Heramb C et al. Hered Cancer Clin Pract, 2018 Jan;16:3). This variant has also been reported in 1/451 prostate cancer patients; no somatic second hit in BRCA2 was detected in the tumor of this individual (Abida W et al. JCO Precis Oncol, 2017 Jul;2017:). This variant is considered to be rare based on population cohorts in the Genome Aggregation Database (gnomAD). In addition to the clinical data presented in the literature, this alteration is expected to result in loss of function by premature protein truncation or nonsense-mediated mRNA decay. As such, this alteration is interpreted as a disease-causing mutation.

Research Molecular Genetics Laboratory, Women's College Hospital, University of Toronto
Classification: Pathogenic for Hereditary breast ovarian cancer syndrome. Last evaluated: 2014-01-31. Review status: no assertion criteria provided. Collection method: research. Allele origin: germline. Affected: yes. Study: The Canadian Open Genetics Repository (COGR). Not counted in ClinVar's aggregate classification.

Literature cited by the submitters: PubMed 20104584 (cited by Labcorp Genetics (formerly Invitae), Labcorp); PubMed 28825054 (cited by Labcorp Genetics (formerly Invitae), Labcorp and Ambry Genetics); PubMed 29339979 (cited by Labcorp Genetics (formerly Invitae), Labcorp and Ambry Genetics).